The following is an entry in ClinVar:

NM_003190.5(TAPBP):c.1063C>T (p.His355Tyr)

Gene: TAPBP (TAP binding protein; minus strand). Cytogenetic location: 6p21.32.
Variant type: single nucleotide variant.
Coding change: c.1063C>T on transcript NM_003190.5 (MANE Select); coding-DNA position 1063, C replaced by T.
Protein change: p.His355Tyr; replaces histidine 355 with tyrosine.
Molecular consequence: missense variant.
Genome position (GRCh38, 1-based): chr6:33,304,444, G>A on the plus strand (C>T on the coding strand, the complement: TAPBP is on the minus strand). VCF-style: chr6-33304444-G-A. GRCh37 (hg19) VCF-style: chr6-33272221-G-A.
Other names: c.1063C>T, p.His355Tyr (NM_001410875.1, NM_172208.3); c.802C>T, p.His268Tyr (NM_172209.3); short protein forms H355Y, H268Y.
Identifiers: ClinVar variation 3715790 (VCV003715790.2).

ClinVar aggregate classification (germline): Uncertain significance (1 of 4 stars; one submission).

Conditions:
MHC class I deficiency. Identifiers: Orphanet 34592, MedGen C6024714, MONDO:0011476.

gnomAD v4.1: 6 of 1,611,608 alleles (0.00037%); highest among the groups gnomAD compares: Non-Finnish European, 0.00034%; no homozygotes.

Submission:

Labcorp Genetics (formerly Invitae), Labcorp
Classification: Uncertain significance for MHC class I deficiency 1. Last evaluated: 2024-05-07. Review status: criteria provided, single submitter. Criteria: Invitae Variant Classification Sherloc (09022015). Collection method: clinical testing. Allele origin: germline.
Comment: This sequence change replaces histidine, which is basic and polar, with tyrosine, which is neutral and polar, at codon 355 of the TAPBP protein (p.His355Tyr). This variant is not present in population databases (gnomAD no frequency). This variant has not been reported in the literature in individuals affected with TAPBP-related conditions. An algorithm developed to predict the effect of missense changes on protein structure and function (PolyPhen-2) suggests that this variant is likely to be disruptive. In summary, the available evidence is currently insufficient to determine the role of this variant in disease. Therefore, it has been classified as a Variant of Uncertain Significance.